The following is an entry in ClinVar:

ClinVar aggregate classification (germline): Conflicting classifications of pathogenicity. Review status: criteria provided, conflicting classifications (1 of 4 stars). 2 submissions from 2 submitters: Uncertain significance (1); Likely benign (1). Last evaluated 2026-01-01.

Conditions:
Hereditary cancer-predisposing syndrome. Also called: Tumor predisposition; Hereditary Cancer Syndrome; Hereditary neoplastic syndrome; Neoplastic Syndromes, Hereditary. Identifiers: Orphanet 140162, MedGen C0027672, MeSH D009386, MONDO:0015356.
POLD1-related polyposis and colorectal cancer syndrome (CRCS10). Also called: Colorectal cancer 10; COLORECTAL CANCER, SUSCEPTIBILITY TO, ON CHROMOSOME 19q; Colorectal cancer, susceptibility to, 10. Identifiers: Orphanet 220460, MedGen C2675481, MONDO:0012953, OMIM 612591.

Allele frequency attached by ClinVar (database versions not stated): ExAC below 0.00001; TOPMed 0.00001.
gnomAD v4.1: 5 of 1,550,058 alleles (0.00032%); highest among the groups gnomAD compares: East Asian, 0.0098%; no homozygotes.

Submissions (2):

Labcorp Genetics (formerly Invitae), Labcorp
Classification: Likely benign for POLD1-related polyposis and colorectal cancer syndrome. Last evaluated: 2026-01-01. Review status: criteria provided, single submitter. Criteria: Invitae Variant Classification Sherloc (09022015). Collection method: clinical testing. Allele origin: germline.

Ambry Genetics
Classification: Uncertain significance for Hereditary cancer-predisposing syndrome. Last evaluated: 2024-12-09. Review status: criteria provided, single submitter. Criteria: Ambry Variant Classification Scheme 2023. Collection method: clinical testing. Allele origin: germline.
Comment: The c.3068-5C>T intronic variant results from a C to T substitution 5 nucleotides upstream from coding exon 24 in the POLD1 gene. This nucleotide position is not well conserved in available vertebrate species. In silico splice site analysis predicts that this alteration will not have any significant effect on splicing. Based on the available evidence, the clinical significance of this variant remains unclear.

NM_002691.4(POLD1):c.3068-5C>T

Gene: POLD1 (DNA polymerase delta 1, catalytic subunit; plus strand). Cytogenetic location: 19q13.33.
Variant type: single nucleotide variant.
Coding change: c.3068-5C>T on transcript NM_002691.4 (MANE Select); 5 bases into the intron before coding-DNA position 3068, C replaced by T.
Molecular consequence: intron variant.
Genome position (GRCh38, 1-based): chr19:50,417,040, C>T. VCF-style: chr19-50417040-C-T. GRCh37 (hg19) VCF-style: chr19-50920297-C-T.
Other names: c.3068-5C>T (NM_001256849.1, LRG_785t1); c.3146-5C>T (NM_001308632.1, LRG_785t2).
Identifiers: ClinVar variation 484357 (VCV000484357.16), dbSNP rs759650325, ClinGen allele CA9596743.